The following is an entry in ClinVar:

ClinVar aggregate classification (germline): Pathogenic (1 of 4 stars; one submission).

Conditions:
Peroxisome biogenesis disorder. Identifiers: Orphanet 79189, MedGen C1832200, MONDO:0019234. Disease mechanism: loss of function.

Submission:

Labcorp Genetics (formerly Invitae), Labcorp
Classification: Pathogenic for Peroxisome biogenesis disorder. Last evaluated: 2023-05-11. Review status: criteria provided, single submitter. Criteria: Invitae Variant Classification Sherloc (09022015). Collection method: clinical testing. Allele origin: germline.
Comment: For these reasons, this variant has been classified as Pathogenic. This variant has not been reported in the literature in individuals affected with PEX6-related conditions. This variant is not present in population databases (gnomAD no frequency). This sequence change creates a premature translational stop signal (p.Thr688Lysfs*26) in the PEX6 gene. It is expected to result in an absent or disrupted protein product. Loss-of-function variants in PEX6 are known to be pathogenic (PMID: 8670792, 19877282, 21031596).

Literature cited by the submitters: PubMed 8670792; PubMed 19877282; PubMed 21031596.

NM_000287.4(PEX6):c.2063del (p.Thr688fs)

Gene: PEX6 (peroxisomal biogenesis factor 6; minus strand). Cytogenetic location: 6p21.1.
Variant type: Deletion.
Coding change: c.2063del on transcript NM_000287.4 (MANE Select); coding-DNA position 2063, one base deleted (C; older notation c.2063delC).
Protein change: p.Thr688fs; shifts the reading frame from threonine 688.
Molecular consequence: frameshift variant. On other transcripts: non-coding transcript variant (1).
Genome position (GRCh38, 1-based): chr6:42,966,556, G deleted on the plus strand (C on the coding strand, the reverse complement: PEX6 is on the minus strand). VCF-style (leftmost placement, unchanged base first): chr6-42966555-TG-T. GRCh37 (hg19) VCF-style: chr6-42934293-TG-T.
Other names: c.1799del, p.Thr600fs (NM_001316313.2); short protein forms T600fs, T688fs.
Identifiers: ClinVar variation 2863523 (VCV002863523.3), dbSNP rs2481210117, ClinGen allele CA2739273053.